The following is an entry in ClinVar:

ClinVar aggregate classification (germline): Uncertain significance. Review status: criteria provided, multiple submitters, no conflicts (2 of 4 stars). 2 submissions from 2 submitters: Uncertain significance (2). Last evaluated 2022-03-18.

Conditions:
Autosomal recessive nonsyndromic hearing loss 4 (DFNB4). Also called: Enlarged vestibular aqueduct, digenic; NEUROSENSORY NONSYNDROMIC RECESSIVE DEAFNESS 4; FOXI1-Related Pendred Syndrome; KCNJ10-Related Pendred Syndrome; Nonsyndromic enlarged vestibular aqueduct (NSEVA); DEAFNESS, AUTOSOMAL RECESSIVE 4, WITH ENLARGED VESTIBULAR AQUEDUCT, DIGENIC. Identifiers: Orphanet 90636, MedGen C3538946, MONDO:0010933, OMIM 600791.

Allele frequency attached by ClinVar (database versions not stated): TOPMed below 0.00001.

Submissions (2):

Labcorp Genetics (formerly Invitae), Labcorp
Classification: Uncertain significance. Last evaluated: 2022-03-18. Review status: criteria provided, single submitter. Criteria: Invitae Variant Classification Sherloc (09022015). Collection method: clinical testing. Allele origin: germline.
Comment: This variant has not been reported in the literature in individuals affected with FOXI1-related conditions. ClinVar contains an entry for this variant (Variation ID: 352705). Algorithms developed to predict the effect of missense changes on protein structure and function (SIFT, PolyPhen-2, Align-GVGD) all suggest that this variant is likely to be disruptive. In summary, the available evidence is currently insufficient to determine the role of this variant in disease. Therefore, it has been classified as a Variant of Uncertain Significance. This variant is not present in population databases (gnomAD no frequency). This sequence change replaces aspartic acid, which is acidic and polar, with histidine, which is basic and polar, at codon 190 of the FOXI1 protein (p.Asp190His).

Illumina Laboratory Services, Illumina
Classification: Uncertain significance for Autosomal recessive nonsyndromic hearing loss 4. Last evaluated: 2018-01-13. Review status: criteria provided, single submitter. Criteria: ICSL Variant Classification Criteria 13 December 2019. Collection method: clinical testing. Allele origin: germline.

NM_012188.5(FOXI1):c.568G>C (p.Asp190His)

Gene: FOXI1 (forkhead box I1; plus strand). Cytogenetic location: 5q35.1.
Variant type: single nucleotide variant.
Coding change: c.568G>C on transcript NM_012188.5 (MANE Select); coding-DNA position 568, G replaced by C.
Protein change: p.Asp190His; replaces aspartic acid 190 with histidine.
Molecular consequence: missense variant.
Genome position (GRCh38, 1-based): chr5:170,106,525, G>C. VCF-style: chr5-170106525-G-C. GRCh37 (hg19) VCF-style: chr5-169533529-G-C.
Other names: c.568G>C, p.Asp190His (NM_144769.4); short protein forms D190H.
Identifiers: ClinVar variation 352705 (VCV000352705.9), dbSNP rs886060398, ClinGen allele CA10621272.